The following is an entry in ClinVar:

ClinVar aggregate classification (germline): Uncertain significance. Review status: criteria provided, multiple submitters, no conflicts (2 of 4 stars). 2 submissions from 2 submitters: Uncertain significance (2). Last evaluated 2025-08-12.

Conditions:
Inborn genetic diseases. Identifiers: MedGen C0950123, MeSH D030342.

Allele frequency attached by ClinVar (database versions not stated): ExAC 0.00002; gnomAD exomes 0.00002.

Submissions (2):

Labcorp Genetics (formerly Invitae), Labcorp
Classification: Uncertain significance. Last evaluated: 2025-08-12. Review status: criteria provided, single submitter. Criteria: Invitae Variant Classification Sherloc (09022015). Collection method: clinical testing. Allele origin: germline.
Comment: This sequence change replaces glutamic acid, which is acidic and polar, with lysine, which is basic and polar, at codon 554 of the SAMD9L protein (p.Glu554Lys). This variant is present in population databases (rs775088915, gnomAD 0.02%). This variant has not been reported in the literature in individuals affected with SAMD9L-related conditions. ClinVar contains an entry for this variant (Variation ID: 1935763). Invitae Evidence Modeling of protein sequence and biophysical properties (such as structural, functional, and spatial information, amino acid conservation, physicochemical variation, residue mobility, and thermodynamic stability) indicates that this missense variant is not expected to disrupt SAMD9L protein function with a negative predictive value of 80%. In summary, the available evidence is currently insufficient to determine the role of this variant in disease. Therefore, it has been classified as a Variant of Uncertain Significance.

Ambry Genetics
Classification: Uncertain significance for Inborn genetic diseases. Last evaluated: 2025-01-17. Review status: criteria provided, single submitter. Criteria: Ambry Variant Classification Scheme 2023. Collection method: clinical testing. Allele origin: germline.
Comment: The p.E554K variant (also known as c.1660G>A), located in coding exon 1 of the SAMD9L gene, results from a G to A substitution at nucleotide position 1660. The glutamic acid at codon 554 is replaced by lysine, an amino acid with similar properties. This amino acid position is conserved. In addition, this alteration is predicted to be tolerated by in silico analysis. Based on the available evidence, the clinical significance of this variant remains unclear.

NM_152703.5(SAMD9L):c.1660G>A (p.Glu554Lys)

Gene: SAMD9L (sterile alpha motif domain containing 9 like; minus strand). Cytogenetic location: 7q21.2.
Variant type: single nucleotide variant.
Coding change: c.1660G>A on transcript NM_152703.5 (MANE Select); coding-DNA position 1660, G replaced by A.
Protein change: p.Glu554Lys; replaces glutamic acid 554 with lysine.
Molecular consequence: missense variant.
Genome position (GRCh38, 1-based): chr7:93,134,312, C>T on the plus strand (G>A on the coding strand, the complement: SAMD9L is on the minus strand). VCF-style: chr7-93134312-C-T. GRCh37 (hg19) VCF-style: chr7-92763625-C-T.
Other names: c.1660G>A, p.Glu554Lys (NM_001303496.3, NM_001303497.3, NM_001303498.3 and 5 more transcripts); c.1660G>A (NM_152703.2); short protein forms E554K.
Identifiers: ClinVar variation 1935763 (VCV001935763.6), dbSNP rs775088915, ClinGen allele CA4343701.